The following is an entry in ClinVar:

NM_003748.4(ALDH4A1):c.512G>A (p.Arg171Gln)

Gene: ALDH4A1 (aldehyde dehydrogenase 4 family member A1; minus strand). Cytogenetic location: 1p36.13.
Variant type: single nucleotide variant.
Coding change: c.512G>A on transcript NM_003748.4 (MANE Select); coding-DNA position 512, G replaced by A.
Protein change: p.Arg171Gln; replaces arginine 171 with glutamine.
Molecular consequence: missense variant.
Genome position (GRCh38, 1-based): chr1:18,883,370, C>T on the plus strand (G>A on the coding strand, the complement: ALDH4A1 is on the minus strand). VCF-style: chr1-18883370-C-T. GRCh37 (hg19) VCF-style: chr1-19209864-C-T.
Other names: c.512G>A, p.Arg171Gln (NM_001319218.2, NM_170726.3); c.332G>A, p.Arg111Gln (NM_001161504.2); short protein forms R171Q, R111Q.
Identifiers: ClinVar variation 1035579 (VCV001035579.41), dbSNP rs767459105, ClinGen allele CA647332.

ClinVar aggregate classification (germline): Uncertain significance. Review status: criteria provided, multiple submitters, no conflicts (2 of 4 stars). 2 submissions from 2 submitters: Uncertain significance (2). Last evaluated 2021-11-01.

Conditions:
Hyperprolinemia type 2 (HYRPRO2). Also called: Deficiency of pyrroline-5-carboxylate reductase; Delta-1-pyrroline-5-carboxylate dehydrogenase deficiency; 1-PYRROLINE-5-CARBOXYLATE DEHYDROGENASE DEFICIENCY. Identifiers: Orphanet 79101, MedGen C2931835, MONDO:0009401, OMIM 239510.

Allele frequency attached by ClinVar (database versions not stated): TOPMed 0.00001; ExAC 0.00001; gnomAD exomes 0.00001.

Submissions (2):

CeGaT Center for Human Genetics Tuebingen
Classification: Uncertain significance. Last evaluated: 2021-11-01. Review status: criteria provided, single submitter. Criteria: CeGaT Center For Human Genetics Tuebingen Variant Classification Criteria Version 2. Collection method: clinical testing. Allele origin: germline. Affected: yes. Observed: 1 variant allele.

Labcorp Genetics (formerly Invitae), Labcorp
Classification: Uncertain significance for Hyperprolinemia type 2. Last evaluated: 2020-03-03. Review status: criteria provided, single submitter. Criteria: Invitae Variant Classification Sherloc (09022015). Collection method: clinical testing. Allele origin: germline.
Comment: In summary, the available evidence is currently insufficient to determine the role of this variant in disease. Therefore, it has been classified as a Variant of Uncertain Significance. Algorithms developed to predict the effect of sequence changes on RNA splicing suggest that this variant may create or strengthen a splice site, but this prediction has not been confirmed by published transcriptional studies. Algorithms developed to predict the effect of missense changes on protein structure and function (SIFT, PolyPhen-2, Align-GVGD) all suggest that this variant is likely to be disruptive, but these predictions have not been confirmed by published functional studies and their clinical significance is uncertain. This variant has not been reported in the literature in individuals with ALDH4A1-related conditions. This variant is present in population databases (rs767459105, ExAC 0.006%). This sequence change replaces arginine with glutamine at codon 171 of the ALDH4A1 protein (p.Arg171Gln). The arginine residue is highly conserved and there is a small physicochemical difference between arginine and glutamine.